The following is an entry in ClinVar:

ClinVar aggregate classification (germline): Uncertain significance (1 of 4 stars; one submission).

Submission:

GeneDx
Classification: Uncertain significance. Last evaluated: 2026-01-26. Review status: criteria provided, single submitter. Criteria: GeneDx Variant Classification Process June 2021. Collection method: clinical testing. Allele origin: germline. Affected: yes.
Comment: Not observed at significant frequency in large population cohorts (gnomAD); In silico analysis supports that this missense variant does not alter protein structure/function; Has not been previously published as pathogenic or benign to our knowledge; This variant is associated with the following publications: (PMID: 23365099)

NM_001195553.2(DCX):c.640A>G (p.Ile214Val)

Gene: DCX (doublecortin; minus strand). Cytogenetic location: Xq23.
Variant type: single nucleotide variant.
Coding change: c.640A>G on transcript NM_001195553.2 (MANE Select); coding-DNA position 640, A replaced by G.
Protein change: p.Ile214Val; replaces isoleucine 214 with valine.
Molecular consequence: missense variant.
Genome position (GRCh38, 1-based): chrX:111,401,055, T>C on the plus strand (A>G on the coding strand, the complement: DCX is on the minus strand). VCF-style: chrX-111401055-T-C. GRCh37 (hg19) VCF-style: chrX-110644283-T-C.
Other names: c.883A>G, p.Ile295Val (NM_000555.3); c.640A>G, p.Ile214Val (NM_001369370.1, NM_001369371.1, NM_001369372.1 and 6 more transcripts); short protein forms I214V, I295V.
Identifiers: ClinVar variation 3371556 (VCV003371556.2).
Genomic context (GRCh38, chrX:111,401,055, plus strand): 5'-TTCCATCCAGAGTGTAGAGTTTTTTGACAACCCCGGTCTCCAGTTTGATGGCTTCTGTGA[T>C]ATCAGTGAGGACTTGCTCAAAAGAGTGGGCTGTCTTCTTGTTCAGAAGCACACGCACAGC-3'
Protein context (NP_001182482.1, residues 204-224): AHSFEQVLTD[Ile214Val]TEAIKLETGV